The following is an entry in ClinVar:

ClinVar aggregate classification (germline): Likely pathogenic (1 of 4 stars; one submission).

Submission:

Genetic Services Laboratory, University of Chicago
Classification: Likely pathogenic. Last evaluated: 2019-11-13. Review status: criteria provided, single submitter. Criteria: ACMG Guidelines, 2015. Collection method: clinical testing. Allele origin: germline. Affected: yes.
Comment: DNA sequence analysis of the INSR gene demonstrated a one base pair deletion in exon 1, c.14del. This sequence change results in an amino acid frameshift and creates a premature stop codon 59 amino acids downstream of the change, p.Gly5Alafs*60. This sequence change is predicted to result in an abnormal transcript, which may be degraded, or may lead to the production of a truncated INSR protein with potentially abnormal function. This sequence change has been previously described in a patient with leprechaunism in the homozygous state; However, complete clinical information of the parents was not provided. This sequence change is absent from large population databases (ExAC and gnomAD). Few other truncating variants, downstream to the position of this variant, have also been reported in association with the insulin resistance dominant phenotype associated with this gene (PMIDs: 29403157, 20339196). Based on these collective evidences, we classify this sequence change as likely pathogenic." DNA sequence analysis of the INSR gene demonstrated a one base pair deletion in exon 1, c.14del. This sequence change results in an amino acid frameshift and creates a premature stop codon 59 amino acids downstream of the change, p.Gly5Alafs*60. This sequence change is predicted to result in an abnormal transcript, which may be degraded, or may lead to the production of a truncated INSR protein with potentially abnormal function. This sequence change has been previously described in a patient with leprechaunism in the homozygous state; However, complete clinical information of the parents was not provided. This sequence change is absent from large population databases (ExAC and gnomAD). Few other truncating variants, downstream to the position of this variant, have also been reported in association with the insulin resistance dominant phenotype associated with this gene (PMIDs: 29403157, 20339196). Based on these collective evidences, we classify this sequence change as likely pathogenic.

NM_000208.4(INSR):c.14del (p.Gly5fs)

Gene: INSR (insulin receptor; minus strand). Cytogenetic location: 19p13.2.
Variant type: Deletion.
Coding change: c.14del on transcript NM_000208.4 (MANE Select); coding-DNA position 14, one base deleted (G; older notation c.14delG).
Protein change: p.Gly5fs; shifts the reading frame from glycine 5.
Molecular consequence: frameshift variant.
Genome position (GRCh38, 1-based): chr19:7,293,878, C deleted on the plus strand (G on the coding strand, the reverse complement: INSR is on the minus strand); the first of 5 consecutive C bases (chr19:7,293,878-7,293,882); deleting any one gives the same sequence. VCF-style (leftmost placement, unchanged base first): chr19-7293877-GC-G. GRCh37 (hg19) VCF-style: chr19-7293888-GC-G.
Other names: c.14del, p.Gly5fs (NM_001079817.3); short protein forms G5fs.
Identifiers: ClinVar variation 1338555 (VCV001338555.4), dbSNP rs1419070784, ClinGen allele CA505398177.